The following is an entry in ClinVar:

NM_017755.6(NSUN2):c.1835A>G (p.Tyr612Cys)

Gene: NSUN2 (NOP2/Sun RNA methyltransferase 2; minus strand). Cytogenetic location: 5p15.31.
Variant type: single nucleotide variant.
Coding change: c.1835A>G on transcript NM_017755.6 (MANE Select); coding-DNA position 1835, A replaced by G.
Protein change: p.Tyr612Cys; replaces tyrosine 612 with cysteine.
Molecular consequence: missense variant. On other transcripts: non-coding transcript variant (1).
Genome position (GRCh38, 1-based): chr5:6,604,260, T>C on the plus strand (A>G on the coding strand, the complement: NSUN2 is on the minus strand). VCF-style: chr5-6604260-T-C. GRCh37 (hg19) VCF-style: chr5-6604373-T-C.
Other names: c.1730A>G, p.Tyr577Cys (NM_001193455.2); short protein forms Y577C, Y612C.
Identifiers: ClinVar variation 1310811 (VCV001310811.2), dbSNP rs1423797783, ClinGen allele CA359114713.

ClinVar aggregate classification (germline): Uncertain significance (1 of 4 stars; one submission).

Allele frequency attached by ClinVar (database versions not stated): gnomAD exomes below 0.00001; TOPMed 0.00001.
gnomAD v4.1: 1 of 1,596,846 alleles (0.000063%); highest among the groups gnomAD compares: South Asian, 0.0011%; no homozygotes.

Submission:

GeneDx
Classification: Uncertain significance. Last evaluated: 2019-12-02. Review status: criteria provided, single submitter. Criteria: GeneDx Variant Classification Process June 2021. Collection method: clinical testing. Allele origin: germline. Affected: yes.
Comment: Not observed in large population cohorts (Lek et al., 2016); In silico analysis, which includes protein predictors and evolutionary conservation, supports a deleterious effect; Has not been previously published as pathogenic or benign to our knowledge